The following is an entry in ClinVar:

NM_001009944.3(PKD1):c.7280C>T (p.Ala2427Val)

Gene: PKD1 (polycystin 1, transient receptor potential channel interacting; minus strand). Cytogenetic location: 16p13.3.
Variant type: single nucleotide variant.
Coding change: c.7280C>T on transcript NM_001009944.3 (MANE Select); coding-DNA position 7280, C replaced by T.
Protein change: p.Ala2427Val; replaces alanine 2427 with valine.
Molecular consequence: missense variant.
Genome position (GRCh38, 1-based): chr16:2,106,607, G>A on the plus strand (C>T on the coding strand, the complement: PKD1 is on the minus strand). VCF-style: chr16-2106607-G-A. GRCh37 (hg19) VCF-style: chr16-2156608-G-A.
Other names: c.7280C>T, p.Ala2427Val (NM_000296.4); c.7280C>T (NM_001009944.2); short protein forms A2427V.
Identifiers: ClinVar variation 618806 (VCV000618806.33), dbSNP rs140494005, ClinGen allele CA7831194.

ClinVar aggregate classification (germline): Conflicting classifications of pathogenicity. Review status: criteria provided, conflicting classifications (1 of 4 stars). 4 submissions from 4 submitters: Uncertain significance (1); Likely benign (3). Last evaluated 2025-04-13.

Conditions:
Inborn genetic diseases. Identifiers: MedGen C0950123, MeSH D030342.
PKD1-related disorder. Also called: PKD1-related condition.

Allele frequency attached by ClinVar (database versions not stated): TOPMed 0.00016; ESP Exome Variant Server 0.00031; 1000 Genomes Project 0.00040; 1000 Genomes Project 30x 0.00047.
gnomAD v4.1: 266 of 1,598,388 alleles (0.017%); highest among the groups gnomAD compares: South Asian, 0.092%; 1 homozygote.

Submissions (4):

Ambry Genetics
Classification: Uncertain significance for Inborn genetic diseases. Last evaluated: 2025-04-13. Review status: criteria provided, single submitter. Criteria: Ambry Variant Classification Scheme 2023. Collection method: clinical testing. Allele origin: germline.

PreventionGenetics, part of Exact Sciences
Classification: Likely benign for PKD1-related condition. Last evaluated: 2024-11-27. Review status: criteria provided, single submitter. Criteria: ACMG Guidelines, 2015. Collection method: clinical testing. Allele origin: germline.
Comment: This variant is classified as likely benign based on ACMG/AMP sequence variant interpretation guidelines (Richards et al. 2015 PMID: 25741868, with internal and published modifications).

CeGaT Center for Human Genetics Tuebingen
Classification: Likely benign. Last evaluated: 2024-02-01. Review status: criteria provided, single submitter. Criteria: CeGaT Center For Human Genetics Tuebingen Variant Classification Criteria Version 2. Collection method: clinical testing. Allele origin: germline. Affected: yes. Observed: 1 variant allele.
Comment: PKD1: BP4

ARUP Laboratories, Molecular Genetics and Genomics, ARUP Laboratories
Classification: Likely benign. Last evaluated: 2017-10-27. Review status: criteria provided, single submitter. Criteria: ARUP Molecular Germline Variant Investigation Process. Collection method: clinical testing. Allele origin: germline.